The following is an entry in ClinVar:

ClinVar aggregate classification (germline): Uncertain significance (1 of 4 stars; one submission).

Conditions:
Melnick-Needles syndrome (MNS). Also called: MELNICK-NEEDLES OSTEODYSPLASTY; OSTEODYSPLASTY OF MELNICK AND NEEDLES; Melnick-Needles Syndrome (FLNA-MNS). Identifiers: Orphanet 2484, MedGen C0025237, MONDO:0010650, OMIM 309350.
Heterotopia, periventricular, X-linked dominant (PVNH1). Also called: PERIVENTRICULAR NODULAR HETEROTOPIA 1; X-linked periventricular heterotopia; PERIVENTRICULAR NODULAR HETEROTOPIA 4; HETEROTOPIA, PERIVENTRICULAR, 1. Identifiers: Orphanet 2149, Orphanet 82004, MedGen C1848213, MONDO:0010233, OMIM 300049.
Frontometaphyseal dysplasia (FMD1). Identifiers: Orphanet 1826, MedGen C0265293, MONDO:0015942.
Oto-palato-digital syndrome, type II (OPD2). Also called: FACIOPALATOOSSEOUS SYNDROME; OPD II SYNDROME; Otopalatodigital Syndrome Type 2 (FLNA-OPD2); Otopalatodigital Syndrome, Type II. Identifiers: Orphanet 669, Orphanet 90652, MedGen C1844696, MONDO:0010571, OMIM 304120.

Submission:

Labcorp Genetics (formerly Invitae), Labcorp
Classification: Uncertain significance for Oto-palato-digital syndrome, type II; Heterotopia, periventricular, X-linked dominant; Frontometaphyseal dysplasia; Melnick-Needles syndrome. Last evaluated: 2022-02-10. Review status: criteria provided, single submitter. Criteria: Invitae Variant Classification Sherloc (09022015). Collection method: clinical testing. Allele origin: germline.
Comment: This variant has not been reported in the literature in individuals affected with FLNA-related conditions. This sequence change replaces glycine, which is neutral and non-polar, with cysteine, which is neutral and slightly polar, at codon 1313 of the FLNA protein (p.Gly1313Cys). This variant is not present in population databases (gnomAD no frequency). Advanced modeling of protein sequence and biophysical properties (such as structural, functional, and spatial information, amino acid conservation, physicochemical variation, residue mobility, and thermodynamic stability) performed at Invitae indicates that this missense variant is not expected to disrupt FLNA protein function. In summary, the available evidence is currently insufficient to determine the role of this variant in disease. Therefore, it has been classified as a Variant of Uncertain Significance.

NM_001110556.2(FLNA):c.3937G>T (p.Gly1313Cys)

Gene: FLNA (filamin A; minus strand). Cytogenetic location: Xq28.
Variant type: single nucleotide variant.
Coding change: c.3937G>T on transcript NM_001110556.2 (MANE Select); coding-DNA position 3937, G replaced by T.
Protein change: p.Gly1313Cys; replaces glycine 1313 with cysteine.
Molecular consequence: missense variant.
Genome position (GRCh38, 1-based): chrX:154,359,774, C>A on the plus strand (G>T on the coding strand, the complement: FLNA is on the minus strand). VCF-style: chrX-154359774-C-A. GRCh37 (hg19) VCF-style: chrX-153588142-C-A.
Other names: c.3937G>T, p.Gly1313Cys (NM_001456.4); short protein forms G1313C.
Identifiers: ClinVar variation 2095872 (VCV002095872.4), dbSNP rs2522739540, ClinGen allele CA415221614.